The following is an entry in ClinVar:

ClinVar aggregate classification (germline): Pathogenic. Review status: criteria provided, multiple submitters, no conflicts (2 of 4 stars). 7 submissions from 7 submitters: Pathogenic (5). 2 of the submissions do not count toward it. Last evaluated 2025-05-06.

Conditions:
Spondyloepimetaphyseal dysplasia, PAPSS2 type. Also called: BRACHYOLMIA TYPE 4 WITH MILD EPIPHYSEAL AND METAPHYSEAL CHANGES; SPONDYLODYSPLASIA AND PREMATURE PUBARCHE; SEMD, PAKISTANI TYPE. Identifiers: Orphanet 93282, MedGen C2748516, MONDO:0019666, OMIM 612847.
PAPSS2-related disorder. Also called: PAPSS2-related condition.

Allele frequency attached by ClinVar (database versions not stated): gnomAD exomes 0.00002 and 0.00005; ExAC 0.00003; gnomAD 0.00005 and 0.00006; TOPMed 0.00005; ESP Exome Variant Server 0.00023.
gnomAD v4.1: 72 of 1,608,550 alleles (0.0045%); highest among the groups gnomAD compares: Non-Finnish European, 0.006%; no homozygotes.

Submissions (7):

Labcorp Genetics (formerly Invitae), Labcorp
Classification: Pathogenic for Spondyloepimetaphyseal dysplasia, PAPSS2 type. Last evaluated: 2025-05-06. Review status: criteria provided, single submitter. Criteria: Invitae Variant Classification Sherloc (09022015). Collection method: clinical testing. Allele origin: germline.
Comment: This sequence change creates a premature translational stop signal (p.Arg41*) in the PAPSS2 gene. It is expected to result in an absent or disrupted protein product. Loss-of-function variants in PAPSS2 are known to be pathogenic (PMID: 22791835, 23633440). This variant is present in population databases (rs201203612, gnomAD 0.006%). This premature translational stop signal has been observed in individual(s) with brachyolmia (PMID: 31313512). It has also been observed to segregate with disease in related individuals. ClinVar contains an entry for this variant (Variation ID: 932064). For these reasons, this variant has been classified as Pathogenic.

Blueprint Genetics
Classification: Pathogenic for PAPSS2-related disorders. Last evaluated: 2024-11-18. Review status: criteria provided, single submitter. Criteria: ACMG Guidelines, 2015. Collection method: clinical testing. Allele origin: germline. Affected: yes. Observed: 5 variant alleles.

PreventionGenetics, part of Exact Sciences
Classification: Pathogenic for PAPSS2-related condition. Last evaluated: 2022-11-01. Review status: criteria provided, single submitter. Criteria: ACMG Guidelines, 2015. Collection method: clinical testing. Allele origin: germline.
Comment: The PAPSS2 c.121C>T variant is predicted to result in premature protein termination (p.Arg41*). This variant was reported in the homozygous state in two members of a family affected with brachyolmia (Bownass et al 2019. PubMed ID: 31313512). This variant is reported in 0.0054% of alleles in individuals of European (Non-Finnish) descent in gnomAD. Nonsense variants in PAPSS2 are expected to be pathogenic. This variant is interpreted as pathogenic.

Laboratory of Inherited Metabolic Diseases, Research centre for medical genetics
Classification: Pathogenic for Spondyloepimetaphyseal dysplasia, PAPSS2 type. Last evaluated: 2022-04-01. Review status: criteria provided, single submitter. Criteria: ACMG Guidelines, 2015. Collection method: clinical testing. Allele origin: inherited. Affected: yes. Observed: 1 variant allele.

Centre for Mendelian Genomics, University Medical Centre Ljubljana
Classification: Pathogenic for Spondyloepimetaphyseal dysplasia, PAPSS2 type. Last evaluated: 2019-02-06. Review status: criteria provided, single submitter. Criteria: ACMG Guidelines, 2015. Collection method: clinical testing. Allele origin: unknown. Affected: yes.
Comment: This variant was classified as: Pathogenic. The following ACMG criteria were applied in classifying this variant: PVS1,PM2,PP4. This variant was detected in homozygous state.

Joint Genome Diagnostic Labs from Nijmegen and Maastricht, Radboudumc and MUMC+
Classification: Pathogenic. Review status: no assertion criteria provided. Collection method: clinical testing. Allele origin: germline. Affected: yes. Study: VKGL Data-share Consensus. Not counted in ClinVar's aggregate classification.

Laboratory of Diagnostic Genome Analysis, Leiden University Medical Center (LUMC)
Classification: Likely pathogenic. Review status: no assertion criteria provided. Collection method: clinical testing. Allele origin: germline. Affected: yes. Study: VKGL Data-share Consensus. Not counted in ClinVar's aggregate classification.

Literature cited by the submitters: PubMed 22791835 (cited by Labcorp Genetics (formerly Invitae), Labcorp); PubMed 23633440 (cited by Labcorp Genetics (formerly Invitae), Labcorp); PubMed 31313512 (cited by Labcorp Genetics (formerly Invitae), Labcorp).

NM_001015880.2(PAPSS2):c.121C>T (p.Arg41Ter)

Gene: PAPSS2 (3'-phosphoadenosine 5'-phosphosulfate synthase 2; plus strand). Cytogenetic location: 10q23.31.
Variant type: single nucleotide variant.
Coding change: c.121C>T on transcript NM_001015880.2 (MANE Select); coding-DNA position 121, C replaced by T.
Protein change: p.Arg41Ter; replaces arginine 41 with a stop codon.
Molecular consequence: nonsense.
Genome position (GRCh38, 1-based): chr10:87,709,289, C>T. VCF-style: chr10-87709289-C-T. GRCh37 (hg19) VCF-style: chr10-89469046-C-T.
Other names: c.121C>T, p.Arg41Ter (NM_004670.4); c.121C>T (NM_004670.3); short protein forms R41*.
Identifiers: ClinVar variation 932064 (VCV000932064.16), dbSNP rs201203612, ClinGen allele CA5589347.
Genomic context (GRCh38, chr10:87,709,289, plus strand): 5'-CAGGCCCACCATGTGAGCAGGAATAAGAGAGGGCAAGTGGTTGGAACAAGGGGTGGGTTC[C>T]GAGGATGTACCGTGTGGCTAACAGGTATGTCATGTTCATATATATATATATATATACAAA-3'